The following is an entry in ClinVar:

NM_001379270.1(CNGA1):c.1328del (p.Thr443fs)

Genes: CNGA1 (cyclic nucleotide gated channel subunit alpha 1; minus strand), LOC101927157 (uncharacterized LOC101927157; plus strand). Cytogenetic location: 4p12.
Variant type: Deletion.
Coding change: c.1328del on transcript NM_001379270.1 (MANE Select); coding-DNA position 1328, one base deleted (C; older notation c.1328delC).
Protein change: p.Thr443fs; shifts the reading frame from threonine 443.
Molecular consequence: frameshift variant.
Genome position (GRCh38, 1-based): chr4:47,937,154, G deleted on the plus strand (C on the coding strand, the reverse complement: CNGA1 is on the minus strand). VCF-style (leftmost placement, unchanged base first): chr4-47937153-TG-T. GRCh37 (hg19) VCF-style: chr4-47939170-TG-T.
Other names: c.1328del, p.Thr443fs (NM_000087.5, NM_001142564.2); short protein forms T443fs.
Identifiers: ClinVar variation 1916089 (VCV001916089.5), dbSNP rs1304172230, ClinGen allele CA795526961.

ClinVar aggregate classification (germline): Pathogenic (1 of 4 stars; one submission).

Allele frequency attached by ClinVar (database versions not stated): gnomAD exomes below 0.00001; gnomAD 0.00001; TOPMed 0.00001.

Submission:

Labcorp Genetics (formerly Invitae), Labcorp
Classification: Pathogenic. Last evaluated: 2022-04-09. Review status: criteria provided, single submitter. Criteria: Invitae Variant Classification Sherloc (09022015). Collection method: clinical testing. Allele origin: germline.
Comment: For these reasons, this variant has been classified as Pathogenic. This variant disrupts a region of the CNGA1 protein in which other variant(s) (p.Arg658Aspfs*2) have been determined to be pathogenic (PMID: 7479749). This suggests that this is a clinically significant region of the protein, and that variants that disrupt it are likely to be disease-causing. This variant has not been reported in the literature in individuals affected with CNGA1-related conditions. This variant is not present in population databases (gnomAD no frequency). This sequence change creates a premature translational stop signal (p.Thr447Lysfs*8) in the CNGA1 gene. While this is not anticipated to result in nonsense mediated decay, it is expected to disrupt the last 244 amino acid(s) of the CNGA1 protein.

Literature cited by the submitters: PubMed 7479749.